The following is an entry in ClinVar:

ClinVar aggregate classification (germline): Pathogenic/Likely pathogenic. Review status: criteria provided, multiple submitters, no conflicts (2 of 4 stars). 2 submissions from 2 submitters: Pathogenic (1); Likely pathogenic (1). Last evaluated 2025-04-09.

Conditions:
Primary ciliary dyskinesia. Also called: Ciliary dyskinesia. Identifiers: Orphanet 244, MedGen C0008780, MONDO:0016575, HP:0012265.

Allele frequency attached by ClinVar (database versions not stated): ExAC 0.00001.
gnomAD v4.1: 1 of 1,613,422 alleles (0.000062%); no homozygotes.

Submissions (2):

Natera, Inc.
Classification: Pathogenic for Primary ciliary dyskinesia. Last evaluated: 2025-04-09. Review status: criteria provided, single submitter. Criteria: Natera Variant Classification Schema (03/2026). Collection method: clinical testing. Allele origin: germline.
Comment: The c.9106-1G>A variant in DNAH5 is a canonical splice acceptor site variant predicted to affect pre-mRNA splicing, which may result in an abnormal transcript and altered protein product. This variant is expected to result in nonsense mediated decay, truncation, or a dysfunctional protein product. This variant is rare in the general population with a frequency below the threshold expected for the associated phenotype(s). This variant has been observed in one or more individuals affected with the associated recessive disease, as either homozygous or compound heterozygous with a second variant (PMID: 31772028). Given the available evidence, this variant is classified as Pathogenic.

Labcorp Genetics (formerly Invitae), Labcorp
Classification: Likely pathogenic for Primary ciliary dyskinesia. Last evaluated: 2022-09-27. Review status: criteria provided, single submitter. Criteria: Invitae Variant Classification Sherloc (09022015). Collection method: clinical testing. Allele origin: germline.
Comment: In summary, the currently available evidence indicates that the variant is pathogenic, but additional data are needed to prove that conclusively. Therefore, this variant has been classified as Likely Pathogenic. Algorithms developed to predict the effect of sequence changes on RNA splicing suggest that this variant may disrupt the consensus splice site. Disruption of this splice site has been observed in individual(s) with primary ciliary dyskinesia (PMID: 31772028). This variant is present in population databases (rs757846582, gnomAD 0.0009%). This sequence change affects an acceptor splice site in intron 54 of the DNAH5 gene. It is expected to disrupt RNA splicing. Variants that disrupt the donor or acceptor splice site typically lead to a loss of protein function (PMID: 16199547), and loss-of-function variants in DNAH5 are known to be pathogenic (PMID: 11788826, 16627867).

Literature cited by the submitters: PubMed 31772028 (cited by Natera, Inc. and Labcorp Genetics (formerly Invitae), Labcorp); PubMed 16199547 (cited by Labcorp Genetics (formerly Invitae), Labcorp); PubMed 11788826 (cited by Labcorp Genetics (formerly Invitae), Labcorp); PubMed 16627867 (cited by Labcorp Genetics (formerly Invitae), Labcorp).

NM_001369.3(DNAH5):c.9106-1G>A

Gene: DNAH5 (dynein axonemal heavy chain 5; minus strand). Cytogenetic location: 5p15.2.
Variant type: single nucleotide variant.
Coding change: c.9106-1G>A on transcript NM_001369.3 (MANE Select); the canonical splice acceptor site of the intron before coding-DNA position 9106, G replaced by A.
Molecular consequence: splice acceptor variant.
Genome position (GRCh38, 1-based): chr5:13,776,707, C>T on the plus strand (G>A on the coding strand, the complement: DNAH5 is on the minus strand). VCF-style: chr5-13776707-C-T. GRCh37 (hg19) VCF-style: chr5-13776816-C-T.
Other names: c.9106-1G>A (NM_001369.2).
Identifiers: ClinVar variation 1929362 (VCV001929362.7), dbSNP rs757846582, ClinGen allele CA3202612.